The following is an entry in ClinVar:

NM_022124.6(CDH23):c.3133G>T (p.Val1045Leu)

Gene: CDH23 (cadherin related 23; plus strand). Cytogenetic location: 10q22.1.
Variant type: single nucleotide variant.
Coding change: c.3133G>T on transcript NM_022124.6 (MANE Select); coding-DNA position 3133, G replaced by T.
Protein change: p.Val1045Leu; replaces valine 1045 with leucine.
Molecular consequence: missense variant.
Genome position (GRCh38, 1-based): chr10:71,709,124, G>T. VCF-style: chr10-71709124-G-T. GRCh37 (hg19) VCF-style: chr10-73468881-G-T.
Other names: c.3133G>T, p.Val1045Leu (NM_001171930.2); short protein forms V1045L.
Identifiers: ClinVar variation 45910 (VCV000045910.12), dbSNP rs377100683, ClinGen allele CA137358.

ClinVar aggregate classification (germline): Conflicting classifications of pathogenicity. Review status: criteria provided, conflicting classifications (1 of 4 stars). 4 submissions from 4 submitters: Uncertain significance (2); Likely benign (1). 1 of the submissions does not count toward it. Last evaluated 2026-01-01.

Conditions:
Usher syndrome type 1 (USH1). Also called: RETINITIS PIGMENTOSA AND CONGENITAL DEAFNESS. Identifiers: Orphanet 231169, Orphanet 886, MedGen C1568247, MONDO:0010168, OMIM 276900.

Allele frequency attached by ClinVar (database versions not stated): ESP Exome Variant Server 0.00016; TOPMed 0.00026.
gnomAD v4.1: 73 of 1,613,824 alleles (0.0045%); highest among the groups gnomAD compares: African/African-American, 0.079%; no homozygotes.

Submissions (4):

Labcorp Genetics (formerly Invitae), Labcorp
Classification: Likely benign. Last evaluated: 2026-01-01. Review status: criteria provided, single submitter. Criteria: Invitae Variant Classification Sherloc (09022015). Collection method: clinical testing. Allele origin: germline.

GeneDx
Classification: Uncertain significance. Last evaluated: 2025-05-27. Review status: criteria provided, single submitter. Criteria: GeneDx Variant Classification Process June 2021. Collection method: clinical testing. Allele origin: germline.
Comment: In silico analysis suggests that this missense variant does not alter protein structure/function; Has not been previously published as pathogenic or benign to our knowledge

Laboratory for Molecular Medicine, Mass General Brigham Personalized Medicine
Classification: Uncertain significance. Last evaluated: 2013-02-22. Review status: criteria provided, single submitter. Criteria: LMM Criteria. Collection method: clinical testing. Allele origin: germline. Observed: 1 variant allele.
Comment: The Val1045Leu variant in CDH23 has not been reported in the literature nor prev iously identified by our laboratory. This variant has been identified in 0.05% ( 2/4268) of African American chromosomes in a broad population by the NHLBI Exome sequencing project. Although this variant h as been seen in the general population, its frequency is not high enough to rule out a pathogenic role. Computational analyses (biochemical amino acid propertie s, conservation, AlignGVGD, PolyPhen2, and SIFT) do not provide strong support f or or against an impact to the protein. In summary, additional data is needed to determine the clinical significance of this variant.

Natera, Inc.
Classification: Uncertain significance for Usher syndrome type 1. Last evaluated: 2019-10-28. Review status: no assertion criteria provided. Collection method: clinical testing. Allele origin: germline. Not counted in ClinVar's aggregate classification.